The following is an entry in ClinVar:

ClinVar aggregate classification (germline): Uncertain significance (1 of 4 stars; one submission).

Conditions:
Glycogen storage disease IV, classic hepatic. Also called: GSD IV, CLASSIC HEPATIC. Identifiers: MedGen C1856301.
Glycogen storage disease, type IV (GSD4). Also called: AMYLOPECTINOSIS; ANDERSEN DISEASE; BRANCHER DEFICIENCY; CIRRHOSIS, FAMILIAL, WITH DEPOSITION OF ABNORMAL GLYCOGEN; GBE1 DEFICIENCY; GLYCOGEN BRANCHING ENZYME DEFICIENCY. Identifiers: Orphanet 367, MedGen C0017923, MONDO:0009292, OMIM 232500.

Allele frequency attached by ClinVar (database versions not stated): gnomAD exomes below 0.00001; gnomAD 0.00001.
gnomAD v4.1: 5 of 1,571,408 alleles (0.00032%); highest among the groups gnomAD compares: South Asian, 0.0012%; no homozygotes.

Submission:

Labcorp Genetics (formerly Invitae), Labcorp
Classification: Uncertain significance for Glycogen storage disease, type IV; Glycogen storage disease IV, classic hepatic. Last evaluated: 2022-06-13. Review status: criteria provided, single submitter. Criteria: Invitae Variant Classification Sherloc (09022015). Collection method: clinical testing. Allele origin: germline.
Comment: This sequence change replaces lysine, which is basic and polar, with glutamic acid, which is acidic and polar, at codon 115 of the GBE1 protein (p.Lys115Glu). This variant is not present in population databases (gnomAD no frequency). This variant has not been reported in the literature in individuals affected with GBE1-related conditions. Advanced modeling of protein sequence and biophysical properties (such as structural, functional, and spatial information, amino acid conservation, physicochemical variation, residue mobility, and thermodynamic stability) performed at Invitae indicates that this missense variant is not expected to disrupt GBE1 protein function. In summary, the available evidence is currently insufficient to determine the role of this variant in disease. Therefore, it has been classified as a Variant of Uncertain Significance.

NM_000158.4(GBE1):c.343A>G (p.Lys115Glu)

Gene: GBE1 (1,4-alpha-glucan branching enzyme 1; minus strand). Cytogenetic location: 3p12.2.
Variant type: single nucleotide variant.
Coding change: c.343A>G on transcript NM_000158.4 (MANE Select); coding-DNA position 343, A replaced by G.
Protein change: p.Lys115Glu; replaces lysine 115 with glutamic acid.
Molecular consequence: missense variant.
Genome position (GRCh38, 1-based): chr3:81,670,924, T>C on the plus strand (A>G on the coding strand, the complement: GBE1 is on the minus strand). VCF-style: chr3-81670924-T-C. GRCh37 (hg19) VCF-style: chr3-81720075-T-C.
Other names: short protein forms K115E.
Identifiers: ClinVar variation 1354970 (VCV001354970.5), dbSNP rs1705180182, ClinGen allele CA353689001.
Genomic context (GRCh38, chr3:81,670,924, plus strand): 5'-GTACAGATTTATTCTGCTTTGGTGGGATATACAGCTCCCATTTTCCATAATCCAGTTTTT[T>C]GTATGGGTACGAAAATGGATTCCAACCATCTAAAAAAATGAAGAAGATCAGTTAACAACA-3'
Protein context (NP_000149.4, residues 105-125): NGWNPFSYPY[Lys115Glu]KLDYGKWELY